The following is an entry in ClinVar:

NM_033004.4(NLRP1):c.1453A>G (p.Ser485Gly)

Gene: NLRP1 (NLR family pyrin domain containing 1; minus strand). Cytogenetic location: 17p13.2.
Variant type: single nucleotide variant.
Coding change: c.1453A>G on transcript NM_033004.4 (MANE Select); coding-DNA position 1453, A replaced by G.
Protein change: p.Ser485Gly; replaces serine 485 with glycine.
Molecular consequence: missense variant.
Genome position (GRCh38, 1-based): chr17:5,559,243, T>C on the plus strand (A>G on the coding strand, the complement: NLRP1 is on the minus strand). VCF-style: chr17-5559243-T-C. GRCh37 (hg19) VCF-style: chr17-5462563-T-C.
Other names: c.1453A>G, p.Ser485Gly (NM_001033053.3, NM_014922.5, NM_033006.4 and 1 more transcripts); short protein forms S485G.
Identifiers: ClinVar variation 1915474 (VCV001915474.5), dbSNP rs2507939191, ClinGen allele CA397385827.

ClinVar aggregate classification (germline): Uncertain significance (1 of 4 stars; one submission).

Allele frequency attached by ClinVar (database versions not stated): gnomAD exomes below 0.00001.
gnomAD v4.1: 1 of 1,614,194 alleles (0.000062%); highest among the groups gnomAD compares: African/African-American, 0.0013%; no homozygotes.

Submission:

Labcorp Genetics (formerly Invitae), Labcorp
Classification: Uncertain significance. Last evaluated: 2022-05-20. Review status: criteria provided, single submitter. Criteria: Invitae Variant Classification Sherloc (09022015). Collection method: clinical testing. Allele origin: germline.
Comment: In summary, the available evidence is currently insufficient to determine the role of this variant in disease. Therefore, it has been classified as a Variant of Uncertain Significance. Algorithms developed to predict the effect of missense changes on protein structure and function output the following: SIFT: "Tolerated"; PolyPhen-2: "Benign"; Align-GVGD: "Class C0". The glycine amino acid residue is found in multiple mammalian species, which suggests that this missense change does not adversely affect protein function. This variant has not been reported in the literature in individuals affected with NLRP1-related conditions. This variant is not present in population databases (gnomAD no frequency). This sequence change replaces serine, which is neutral and polar, with glycine, which is neutral and non-polar, at codon 485 of the NLRP1 protein (p.Ser485Gly).